The following is an entry in ClinVar:

NM_004415.4(DSP):c.8120T>A (p.Met2707Lys)

Gene: DSP (desmoplakin; plus strand). Cytogenetic location: 6p24.3.
Variant type: single nucleotide variant.
Coding change: c.8120T>A on transcript NM_004415.4 (MANE Select); coding-DNA position 8120, T replaced by A.
Protein change: p.Met2707Lys; replaces methionine 2707 with lysine.
Molecular consequence: missense variant.
Genome position (GRCh38, 1-based): chr6:7,585,382, T>A. VCF-style: chr6-7585382-T-A. GRCh37 (hg19) VCF-style: chr6-7585615-T-A.
Other names: c.6323T>A, p.Met2108Lys (NM_001008844.3); c.6791T>A, p.Met2264Lys (NM_001319034.2); short protein forms M2108K, M2264K, M2707K.
Identifiers: ClinVar variation 3761130 (VCV003761130.2).

ClinVar aggregate classification (germline): Uncertain significance (1 of 4 stars; one submission).

Conditions:
Arrhythmogenic cardiomyopathy with wooly hair and keratoderma. Also called: Arrhythmogenic cardiomyopathy with woolly hair and keratoderma; PALMOPLANTAR KERATODERMA WITH LEFT VENTRICULAR CARDIOMYOPATHY AND WOOLLY HAIR; Carvajal syndrome; Dilated cardiomyopathy with woolly hair and keratoderma. Identifiers: Orphanet 65282, MedGen C1854063, MONDO:0011581, OMIM 605676.
Arrhythmogenic right ventricular dysplasia 8 (ARVD8). Also called: Arrhythmogenic Right Ventricular Dysplasia/Cardiomyopathy 8; ARRHYTHMOGENIC RIGHT VENTRICULAR DYSPLASIA, FAMILIAL, 8; ARRHYTHMOGENIC RIGHT VENTRICULAR CARDIOMYOPATHY 8. Identifiers: MedGen C1843896, MONDO:0011831, OMIM 607450.

Submission:

Labcorp Genetics (formerly Invitae), Labcorp
Classification: Uncertain significance for Arrhythmogenic cardiomyopathy with wooly hair and keratoderma; Arrhythmogenic right ventricular dysplasia 8. Last evaluated: 2024-07-03. Review status: criteria provided, single submitter. Criteria: Invitae Variant Classification Sherloc (09022015). Collection method: clinical testing. Allele origin: germline.
Comment: This sequence change replaces methionine, which is neutral and non-polar, with lysine, which is basic and polar, at codon 2707 of the DSP protein (p.Met2707Lys). This variant is not present in population databases (gnomAD no frequency). This variant has not been reported in the literature in individuals affected with DSP-related conditions. An algorithm developed to predict the effect of missense changes on protein structure and function (PolyPhen-2) suggests that this variant is likely to be disruptive. In summary, the available evidence is currently insufficient to determine the role of this variant in disease. Therefore, it has been classified as a Variant of Uncertain Significance.